The following is an entry in ClinVar:

ClinVar aggregate classification (germline): Uncertain significance. Review status: criteria provided, multiple submitters, no conflicts (2 of 4 stars). 2 submissions from 2 submitters: Uncertain significance (2). Last evaluated 2025-06-30.

Conditions:
Inborn genetic diseases. Identifiers: MedGen C0950123, MeSH D030342.
Congenital myasthenic syndrome 4A. Also called: Myasthenic syndrome, congenital, 4a, slow-channel; MYASTHENIC SYNDROME, CONGENITAL, 4A, SLOW-CHANNEL, AUTOSOMAL RECESSIVE; CONGENITAL MYASTHENIC SYNDROME TYPE Ia1. Identifiers: Orphanet 590, MedGen C4225413, MONDO:0011600, OMIM 605809.

Allele frequency attached by ClinVar (database versions not stated): gnomAD exomes 0.00001; ExAC 0.00002; gnomAD 0.00004 and 0.00005; TOPMed 0.00004; ESP Exome Variant Server 0.00008.
gnomAD v4.1: 15 of 1,597,000 alleles (0.00094%); highest among the groups gnomAD compares: African/African-American, 0.013%; no homozygotes.

Submissions (2):

Labcorp Genetics (formerly Invitae), Labcorp
Classification: Uncertain significance for Congenital myasthenic syndrome 4A. Last evaluated: 2025-06-30. Review status: criteria provided, single submitter. Criteria: Invitae Variant Classification Sherloc (09022015). Collection method: clinical testing. Allele origin: germline.
Comment: This sequence change replaces threonine, which is neutral and polar, with methionine, which is neutral and non-polar, at codon 316 of the CHRNE protein (p.Thr316Met). This variant is present in population databases (rs146533655, gnomAD 0.02%). This variant has not been reported in the literature in individuals affected with CHRNE-related conditions. ClinVar contains an entry for this variant (Variation ID: 1418207). Invitae Evidence Modeling of protein sequence and biophysical properties (such as structural, functional, and spatial information, amino acid conservation, physicochemical variation, residue mobility, and thermodynamic stability) has been performed for this missense variant. However, the output from this modeling did not meet the statistical confidence thresholds required to predict the impact of this variant on CHRNE protein function. In summary, the available evidence is currently insufficient to determine the role of this variant in disease. Therefore, it has been classified as a Variant of Uncertain Significance.

Ambry Genetics
Classification: Uncertain significance for Inborn genetic diseases. Last evaluated: 2023-12-30. Review status: criteria provided, single submitter. Criteria: Ambry Variant Classification Scheme 2023. Collection method: clinical testing. Allele origin: germline.

NM_000080.4(CHRNE):c.947C>T (p.Thr316Met)

Genes: C17orf107 (chromosome 17 open reading frame 107; plus strand), CHRNE (cholinergic receptor nicotinic epsilon subunit; minus strand). Cytogenetic location: 17p13.2.
Variant type: single nucleotide variant.
Coding change: c.947C>T on transcript NM_000080.4 (MANE Select); coding-DNA position 947, C replaced by T.
Protein change: p.Thr316Met; replaces threonine 316 with methionine.
Molecular consequence: missense variant. On other transcripts: 5 prime UTR variant (1).
Genome position (GRCh38, 1-based): chr17:4,899,553, G>A on the plus strand (C>T on the coding strand, the complement: CHRNE is on the minus strand). VCF-style: chr17-4899553-G-A. GRCh37 (hg19) VCF-style: chr17-4802848-G-A.
Other names: c.-210G>A (NM_001145536.2); short protein forms T316M.
Identifiers: ClinVar variation 1418207 (VCV001418207.6), dbSNP rs146533655, ClinGen allele CA8314094.
Genomic context (GRCh38, chr17:4,899,553, plus strand): 5'-TGGGTGGTGGGCGTCCGCTGGGACACGTTGAGCACGATGACGCAATTCATGACAATGAGC[G>A]TGGCGACCACCATGACGAAAATAAGGAACCTGAGGAGCCCGGAAGGCATGACATCACCGT-3'
Protein context (NP_000071.1, residues 306-326): RFLIFVMVVA[Thr316Met]LIVMNCVIVL